The following is an entry in ClinVar:

NM_016239.4(MYO15A):c.9025C>T (p.Pro3009Ser)

Gene: MYO15A (myosin XVA; plus strand). Cytogenetic location: 17p11.2.
Variant type: single nucleotide variant.
Coding change: c.9025C>T on transcript NM_016239.4 (MANE Select); coding-DNA position 9025, C replaced by T.
Protein change: p.Pro3009Ser; replaces proline 3009 with serine.
Molecular consequence: missense variant.
Genome position (GRCh38, 1-based): chr17:18,158,580, C>T. VCF-style: chr17-18158580-C-T. GRCh37 (hg19) VCF-style: chr17-18061894-C-T.
Other names: short protein forms P3009S.
Identifiers: ClinVar variation 228971 (VCV000228971.4), dbSNP rs751006503, ClinGen allele CA8425347.

ClinVar aggregate classification (germline): Uncertain significance (1 of 4 stars; one submission).

Allele frequency attached by ClinVar (database versions not stated): ExAC 0.00001; gnomAD exomes 0.00001; gnomAD 0.00003 and 0.00004; TOPMed 0.00004.
gnomAD v4.1: 17 of 1,614,186 alleles (0.0011%); highest among the groups gnomAD compares: Middle Eastern, 0.017%; no homozygotes.

Submission:

Laboratory for Molecular Medicine, Mass General Brigham Personalized Medicine
Classification: Uncertain significance. Last evaluated: 2015-04-28. Review status: criteria provided, single submitter. Criteria: LMM Criteria. Collection method: clinical testing. Allele origin: germline. Observed: 1 variant allele.
Comment: Variant classified as Uncertain Significance - Favor Benign. The p.Pro3009Ser va riant in MYO15A has not been previously reported in individuals with hearing los s, but has been identified in 1/11572 Latino chromosomes by the Exome Aggregatio n Consortium (ExAC). Although this variant has b een seen in the general population, its frequency is not high enough to rule out a pathogenic role. The proline (Pro) at position 3009 is not conserved in mamma ls or evolutionarily distant species with 2 mammals (prairie vole and guinea pig ) having a serine (Ser) at this position, suggesting that the variant may be tol erated. Additional computational prediction tools do not provide strong support for or against an impact to the protein. In summary, the clinical significance o f this variant cannot be determined with certainty; however, the conservation da ta suggests that it is more likely to be benign.